The following is an entry in ClinVar:

ClinVar aggregate classification (germline): Pathogenic/Likely pathogenic. Review status: criteria provided, multiple submitters, no conflicts (2 of 4 stars). 2 submissions from 2 submitters: Pathogenic (1); Likely pathogenic (1). Last evaluated 2024-03-14.

Conditions:
Finnish congenital nephrotic syndrome (NPHS1). Also called: NEPHROTIC SYNDROME, TYPE 1. Identifiers: Orphanet 839, MedGen C0403399, MONDO:0009732, OMIM 256300.

gnomAD v4.1: 1 of 1,611,086 alleles (0.000062%); highest among the groups gnomAD compares: Non-Finnish European, 0.000085%; no homozygotes.

Submissions (2):

Fulgent Genetics
Classification: Likely pathogenic for Finnish congenital nephrotic syndrome. Last evaluated: 2024-03-14. Review status: criteria provided, single submitter. Criteria: ACMG Guidelines, 2015. Collection method: clinical testing. Allele origin: germline.

Labcorp Genetics (formerly Invitae), Labcorp
Classification: Pathogenic. Last evaluated: 2023-04-28. Review status: criteria provided, single submitter. Criteria: Invitae Variant Classification Sherloc (09022015). Collection method: clinical testing. Allele origin: germline.
Comment: This sequence change affects an acceptor splice site in intron 6 of the NPHS1 gene. It is expected to disrupt RNA splicing. Variants that disrupt the donor or acceptor splice site typically lead to a loss of protein function (PMID: 16199547), and loss-of-function variants in NPHS1 are known to be pathogenic (PMID: 11317351, 11854170, 12039988). This variant is not present in population databases (gnomAD no frequency). Disruption of this splice site has been observed in individuals with congenital nephrotic syndrome (PMID: 28160156, 31456999). Algorithms developed to predict the effect of sequence changes on RNA splicing suggest that this variant may disrupt the consensus splice site. For these reasons, this variant has been classified as Pathogenic.

Literature cited by the submitters: PubMed 16199547 (cited by Labcorp Genetics (formerly Invitae), Labcorp); PubMed 11317351 (cited by Labcorp Genetics (formerly Invitae), Labcorp); PubMed 11854170 (cited by Labcorp Genetics (formerly Invitae), Labcorp); PubMed 12039988 (cited by Labcorp Genetics (formerly Invitae), Labcorp); PubMed 28160156 (cited by Labcorp Genetics (formerly Invitae), Labcorp); PubMed 31456999 (cited by Labcorp Genetics (formerly Invitae), Labcorp).

NM_004646.4(NPHS1):c.713-1G>A

Gene: NPHS1 (NPHS1 adhesion molecule, nephrin; minus strand). Cytogenetic location: 19q13.12.
Variant type: single nucleotide variant.
Coding change: c.713-1G>A on transcript NM_004646.4 (MANE Select); the canonical splice acceptor site of the intron before coding-DNA position 713, G replaced by A.
Molecular consequence: splice acceptor variant.
Genome position (GRCh38, 1-based): chr19:35,849,364, C>T on the plus strand (G>A on the coding strand, the complement: NPHS1 is on the minus strand). VCF-style: chr19-35849364-C-T. GRCh37 (hg19) VCF-style: chr19-36340266-C-T.
Identifiers: ClinVar variation 2999881 (VCV002999881.4), dbSNP rs2513779373, ClinGen allele CA405407410.